The following is an entry in ClinVar:

NM_206933.4(USH2A):c.10096A>G (p.Lys3366Glu)

Gene: USH2A (usherin; minus strand). Cytogenetic location: 1q41.
Variant type: single nucleotide variant.
Coding change: c.10096A>G on transcript NM_206933.4 (MANE Select); coding-DNA position 10096, A replaced by G.
Protein change: p.Lys3366Glu; replaces lysine 3366 with glutamic acid.
Molecular consequence: missense variant.
Genome position (GRCh38, 1-based): chr1:215,790,145, T>C on the plus strand (A>G on the coding strand, the complement: USH2A is on the minus strand). VCF-style: chr1-215790145-T-C. GRCh37 (hg19) VCF-style: chr1-215963487-T-C.
Other names: c.10096A>G (NM_206933.2); short protein forms K3366E.
Identifiers: ClinVar variation 2166011 (VCV002166011.2), dbSNP rs2464419631, ClinGen allele CA344843843.

ClinVar aggregate classification (germline): Conflicting classifications of pathogenicity. Review status: criteria provided, conflicting classifications (1 of 4 stars). 2 submissions from 2 submitters: Uncertain significance (1); Likely benign (1). Last evaluated 2025-10-02.

Conditions:
Inborn genetic diseases. Identifiers: MedGen C0950123, MeSH D030342.

gnomAD v4.1: 1 of 1,614,032 alleles (0.000062%); no homozygotes.

Submissions (2):

Ambry Genetics
Classification: Likely benign for Inborn genetic diseases. Last evaluated: 2025-10-02. Review status: criteria provided, single submitter. Criteria: Ambry Variant Classification Scheme 2023. Collection method: clinical testing. Allele origin: germline.

Labcorp Genetics (formerly Invitae), Labcorp
Classification: Uncertain significance. Last evaluated: 2022-08-16. Review status: criteria provided, single submitter. Criteria: Invitae Variant Classification Sherloc (09022015). Collection method: clinical testing. Allele origin: germline.
Comment: This sequence change replaces lysine, which is basic and polar, with glutamic acid, which is acidic and polar, at codon 3366 of the USH2A protein (p.Lys3366Glu). This variant is not present in population databases (gnomAD no frequency). This variant has not been reported in the literature in individuals affected with USH2A-related conditions. Algorithms developed to predict the effect of missense changes on protein structure and function output the following: SIFT: "Tolerated"; PolyPhen-2: "Benign"; Align-GVGD: "Class C0". The glutamic acid amino acid residue is found in multiple mammalian species, which suggests that this missense change does not adversely affect protein function. Algorithms developed to predict the effect of sequence changes on RNA splicing suggest that this variant may create or strengthen a splice site. In summary, the available evidence is currently insufficient to determine the role of this variant in disease. Therefore, it has been classified as a Variant of Uncertain Significance.